The following is an entry in ClinVar:

ClinVar aggregate classification (germline): Uncertain significance. Review status: criteria provided, multiple submitters, no conflicts (2 of 4 stars). 2 submissions from 2 submitters: Uncertain significance (2). Last evaluated 2023-07-25.

Conditions:
Inborn genetic diseases. Identifiers: MedGen C0950123, MeSH D030342.

Allele frequency attached by ClinVar (database versions not stated): gnomAD 0.00001.
gnomAD v4.1: 8 of 1,606,574 alleles (0.0005%); highest among the groups gnomAD compares: Middle Eastern, 0.017%; no homozygotes.

Submissions (2):

Ambry Genetics
Classification: Uncertain significance for Inborn genetic diseases. Last evaluated: 2023-07-25. Review status: criteria provided, single submitter. Criteria: Ambry Variant Classification Scheme 2023. Collection method: clinical testing. Allele origin: germline.

GeneDx
Classification: Uncertain significance. Last evaluated: 2017-05-13. Review status: criteria provided, single submitter. Criteria: GeneDx Variant Classification (06012015). Collection method: clinical testing. Allele origin: germline. Affected: yes.
Comment: The G55S variant in the NDUFB3 gene has not been reported previously as a pathogenic variant, nor as a benign variant, to our knowledge. The G55S variant is not observed in large population cohorts (Lek et al., 2016; 1000 Genomes Consortium et al., 2015; Exome Variant Server). The G55S variant is a non-conservative amino acid substitution, which is likely to impact secondary protein structure as these residues differ in polarity, charge, size and/or other properties. This substitution occurs at a position that is conserved across species. However, in silico analysis is inconsistent in its predictions as to whether or not the variant is damaging to the protein structure/function. We interpret G55S as a variant of uncertain significance.

NM_002491.3(NDUFB3):c.163G>A (p.Gly55Ser)

Gene: NDUFB3 (NADH:ubiquinone oxidoreductase subunit B3; plus strand). Cytogenetic location: 2q33.1.
Variant type: single nucleotide variant.
Coding change: c.163G>A on transcript NM_002491.3 (MANE Select); coding-DNA position 163, G replaced by A.
Protein change: p.Gly55Ser; replaces glycine 55 with serine.
Molecular consequence: missense variant.
Genome position (GRCh38, 1-based): chr2:201,085,481, G>A. VCF-style: chr2-201085481-G-A. GRCh37 (hg19) VCF-style: chr2-201950204-G-A.
Other names: c.163G>A, p.Gly55Ser (NM_001257102.2); short protein forms G55S.
Identifiers: ClinVar variation 429695 (VCV000429695.4), dbSNP rs368909621, ClinGen allele CA63869029.